The following is an entry in ClinVar:

ClinVar aggregate classification (germline): Likely benign. Review status: criteria provided, single submitter (1 of 4 stars). 2 submissions from 2 submitters: Likely benign (1). 1 of the submissions does not count toward it. Last evaluated 2023-05-02.

Conditions:
CPS1-related disorder. Also called: CPS1-related condition.
Congenital hyperammonemia, type I. Also called: Carbamoyl-phosphate synthase I deficiency; CPS I DEFICIENCY; Carbamoyl phosphate synthetase 1 deficiency; Hyperammonemia due to carbamoyl phosphate synthetase 1 deficiency; CPS 1 deficiency; Carbamyl phosphate synthetase (CPS) deficiency. Identifiers: Orphanet 147, MedGen C4082171, MONDO:0009376, OMIM 237300.

Allele frequency attached by ClinVar (database versions not stated): gnomAD exomes below 0.00001.
gnomAD v4.1: 3 of 1,613,988 alleles (0.00019%); highest among the groups gnomAD compares: Middle Eastern, 0.016%; no homozygotes.

Submissions (2):

Labcorp Genetics (formerly Invitae), Labcorp
Classification: Likely benign for Congenital hyperammonemia, type I. Last evaluated: 2023-05-02. Review status: criteria provided, single submitter. Criteria: Invitae Variant Classification Sherloc (09022015). Collection method: clinical testing. Allele origin: germline.

PreventionGenetics, part of Exact Sciences
Classification: Likely benign for CPS1-related condition. Last evaluated: 2019-03-02. Review status: no assertion criteria provided. Collection method: clinical testing. Allele origin: germline. Not counted in ClinVar's aggregate classification.
Comment: This variant is classified as likely benign based on ACMG/AMP sequence variant interpretation guidelines (Richards et al. 2015 PMID: 25741868, with internal and published modifications).

NM_001875.5(CPS1):c.3543T>C (p.Val1181=)

Gene: CPS1 (carbamoyl-phosphate synthase 1; plus strand). Cytogenetic location: 2q34.
Variant type: single nucleotide variant.
Coding change: c.3543T>C on transcript NM_001875.5 (MANE Select); coding-DNA position 3543, T replaced by C.
Protein change: p.Val1181=; no amino-acid change (valine 1181 retained).
Molecular consequence: synonymous variant. On other transcripts: non-coding transcript variant (2).
Genome position (GRCh38, 1-based): chr2:210,654,087, T>C. VCF-style: chr2-210654087-T-C. GRCh37 (hg19) VCF-style: chr2-211518811-T-C.
Other names: c.3543T>C, p.Val1181= (NM_001122633.3, NM_001369257.1); c.3576T>C, p.Val1192= (NM_001369256.1).
Identifiers: ClinVar variation 2914989 (VCV002914989.5), dbSNP rs1359055382, ClinGen allele CA431012416.
Genomic context (GRCh38, chr2:210,654,087, plus strand): 5'-GCACCCAGTGGTGCTGACAAAATTTGTTGAAGGGGCCCGAGAAGTAGAAATGGACGCTGT[T>C]GGCAAAGATGGAAGGGTAAGTGCTTTATTCTCATCTCCTTCATTCCTGCCTTCTCATCAT-3'
Protein context (NP_001866.2, residues 1171-1191): EGAREVEMDA[Val1181=]GKDGRVISHA